The following is an entry in ClinVar:

NM_020779.4(WDR35):c.2213G>T (p.Gly738Val)

Gene: WDR35 (WD repeat domain 35; minus strand). Cytogenetic location: 2p24.1.
Variant type: single nucleotide variant.
Coding change: c.2213G>T on transcript NM_020779.4 (MANE Select); coding-DNA position 2213, G replaced by T.
Protein change: p.Gly738Val; replaces glycine 738 with valine.
Molecular consequence: missense variant.
Genome position (GRCh38, 1-based): chr2:19,937,797, C>A on the plus strand (G>T on the coding strand, the complement: WDR35 is on the minus strand). VCF-style: chr2-19937797-C-A. GRCh37 (hg19) VCF-style: chr2-20137558-C-A.
Other names: c.2246G>T, p.Gly749Val (NM_001006657.2); short protein forms G738V, G749V.
Identifiers: ClinVar variation 1978610 (VCV001978610.4), dbSNP rs999628676, ClinGen allele CA43398704.

ClinVar aggregate classification (germline): Uncertain significance (1 of 4 stars; one submission).

Conditions:
Cranioectodermal dysplasia 2 (CED2). Identifiers: Orphanet 1515, MedGen C3150874, MONDO:0013323, OMIM 613610.
Short-rib thoracic dysplasia 7 with or without polydactyly (SRTD7). Also called: Short rib polydactyly syndrome 5; SHORT-RIB THORACIC DYSPLASIA 7 WITH POLYDACTYLY. Identifiers: Orphanet 498497, Orphanet 93271, MedGen C3279792, MONDO:0013569, OMIM 614091.

gnomAD v4.1: 8 of 1,614,152 alleles (0.0005%); highest among the groups gnomAD compares: Admixed American, 0.005%; no homozygotes.

Submission:

Labcorp Genetics (formerly Invitae), Labcorp
Classification: Uncertain significance for Cranioectodermal dysplasia 2; Short-rib thoracic dysplasia 7 with or without polydactyly. Last evaluated: 2025-04-13. Review status: criteria provided, single submitter. Criteria: Invitae Variant Classification Sherloc (09022015). Collection method: clinical testing. Allele origin: germline.
Comment: This sequence change replaces glycine, which is neutral and non-polar, with valine, which is neutral and non-polar, at codon 749 of the WDR35 protein (p.Gly749Val). This variant is present in population databases (no rsID available, gnomAD 0.003%). This variant has not been reported in the literature in individuals affected with WDR35-related conditions. ClinVar contains an entry for this variant (Variation ID: 1978610). Invitae Evidence Modeling of protein sequence and biophysical properties (such as structural, functional, and spatial information, amino acid conservation, physicochemical variation, residue mobility, and thermodynamic stability) indicates that this missense variant is not expected to disrupt WDR35 protein function with a negative predictive value of 95%. In summary, the available evidence is currently insufficient to determine the role of this variant in disease. Therefore, it has been classified as a Variant of Uncertain Significance.